The following is an entry in ClinVar:

NM_013276.4(SHPK):c.640G>A (p.Val214Ile)

Gene: SHPK (sedoheptulokinase; minus strand). Cytogenetic location: 17p13.2.
Variant type: single nucleotide variant.
Coding change: c.640G>A on transcript NM_013276.4 (MANE Select); coding-DNA position 640, G replaced by A.
Protein change: p.Val214Ile; replaces valine 214 with isoleucine.
Molecular consequence: missense variant.
Genome position (GRCh38, 1-based): chr17:3,623,346, C>T on the plus strand (G>A on the coding strand, the complement: SHPK is on the minus strand). VCF-style: chr17-3623346-C-T. GRCh37 (hg19) VCF-style: chr17-3526640-C-T.
Other names: short protein forms V214I.
Identifiers: ClinVar variation 2965039 (VCV002965039.3), dbSNP rs111475678, ClinGen allele CA8291273.
Genomic context (GRCh38, chr17:3,623,346, plus strand): 5'-GTTGCCCTTCAGATTGGAGCAGGAGGAACAGCCTGCAAGGATGTGATACTCACGTCTCTA[C>T]GTTCCAGCTTTGGCTCTGCGTGTTGAAATAGCCCCAGCTGGCAGCATTCTGGTCGGACAT-3'
Protein context (NP_037408.2, residues 204-224): YFNTQSQSWN[Val214Ile]ETLRSSGFPV

ClinVar aggregate classification (germline): Uncertain significance (1 of 4 stars; one submission).

Allele frequency attached by ClinVar (database versions not stated): ExAC 0.00001; gnomAD exomes 0.00001; gnomAD 0.00004; TOPMed 0.00004.
gnomAD v4.1: 26 of 1,614,020 alleles (0.0016%); highest among the groups gnomAD compares: African/African-American, 0.011%; no homozygotes.

Submission:

Labcorp Genetics (formerly Invitae), Labcorp
Classification: Uncertain significance. Last evaluated: 2023-12-09. Review status: criteria provided, single submitter. Criteria: Invitae Variant Classification Sherloc (09022015). Collection method: clinical testing. Allele origin: germline.
Comment: This sequence change replaces valine, which is neutral and non-polar, with isoleucine, which is neutral and non-polar, at codon 214 of the SHPK protein (p.Val214Ile). This variant is present in population databases (rs111475678, gnomAD 0.008%). This variant has not been reported in the literature in individuals affected with SHPK-related conditions. An algorithm developed to predict the effect of missense changes on protein structure and function (PolyPhen-2) suggests that this variant is likely to be tolerated. In summary, the available evidence is currently insufficient to determine the role of this variant in disease. Therefore, it has been classified as a Variant of Uncertain Significance.